The following is an entry in ClinVar:

ClinVar aggregate classification (germline): Likely benign (1 of 4 stars; one submission).

gnomAD v4.1: 71 of 1,613,808 alleles (0.0044%); highest among the groups gnomAD compares: South Asian, 0.022%; no homozygotes.

Submission:

CeGaT Center for Human Genetics Tuebingen
Classification: Likely benign. Last evaluated: 2026-02-01. Review status: criteria provided, single submitter. Criteria: CeGaT Center For Human Genetics Tuebingen Variant Classification Criteria Version 2. Collection method: clinical testing. Allele origin: germline. Affected: yes. Observed: 1 variant allele.
Comment: TNPO2: BP4, BP7

NM_001382241.1(TNPO2):c.492C>T (p.Asp164=)

Gene: TNPO2 (transportin 2; minus strand). Cytogenetic location: 19p13.13.
Variant type: single nucleotide variant.
Coding change: c.492C>T on transcript NM_001382241.1 (MANE Select); coding-DNA position 492, C replaced by T.
Protein change: p.Asp164=; no amino-acid change (aspartic acid 164 retained).
Molecular consequence: synonymous variant. On other transcripts: non-coding transcript variant (6).
Genome position (GRCh38, 1-based): chr19:12,715,479, G>A on the plus strand (C>T on the coding strand, the complement: TNPO2 is on the minus strand). VCF-style: chr19-12715479-G-A. GRCh37 (hg19) VCF-style: chr19-12826293-G-A.
Other names: c.492C>T, p.Asp164= (NM_001136195.2, NM_001136196.2, NM_001382236.1 and 7 more transcripts).
Identifiers: ClinVar variation 4821298 (VCV004821298.4).